The following is an entry in ClinVar:

ClinVar aggregate classification (germline): Uncertain significance. Review status: criteria provided, multiple submitters, no conflicts (2 of 4 stars). 2 submissions from 2 submitters: Uncertain significance (2). Last evaluated 2024-08-03.

Conditions:
Brugada syndrome. Also called: Sudden Unexplained Death Syndrome; Sudden Unexplained Nocturnal Death Syndrome (SUNDS); Sudden unexpected nocturnal death syndrome; Sudden unexplained nocturnal death syndrome. Identifiers: Orphanet 130, MedGen C1142166, MONDO:0015263.
Cardiovascular phenotype. Identifiers: MedGen CN230736.

gnomAD v4.1: 2 of 1,614,006 alleles (0.00012%); highest among the groups gnomAD compares: East Asian, 0.0022%; no homozygotes.

Submissions (2):

Ambry Genetics
Classification: Uncertain significance for Cardiovascular phenotype. Last evaluated: 2024-08-03. Review status: criteria provided, single submitter. Criteria: Ambry Variant Classification Scheme 2023. Collection method: clinical testing. Allele origin: germline.
Comment: The p.E126K variant (also known as c.376G>A), located in coding exon 4 of the GPD1L gene, results from a G to A substitution at nucleotide position 376. The glutamic acid at codon 126 is replaced by lysine, an amino acid with similar properties. This amino acid position is conserved. In addition, this alteration is predicted to be tolerated by in silico analysis. Based on the available evidence, the clinical significance of this variant remains unclear.

Labcorp Genetics (formerly Invitae), Labcorp
Classification: Uncertain significance for Brugada syndrome. Last evaluated: 2021-11-08. Review status: criteria provided, single submitter. Criteria: Invitae Variant Classification Sherloc (09022015). Collection method: clinical testing. Allele origin: germline.
Comment: This sequence change replaces glutamic acid, which is acidic and polar, with lysine, which is basic and polar, at codon 126 of the GPD1L protein (p.Glu126Lys). This variant is not present in population databases (gnomAD no frequency). This variant has not been reported in the literature in individuals affected with GPD1L-related conditions. Algorithms developed to predict the effect of missense changes on protein structure and function output the following: SIFT: "Tolerated"; PolyPhen-2: "Benign"; Align-GVGD: "Class C0". The lysine amino acid residue is found in multiple mammalian species, which suggests that this missense change does not adversely affect protein function. In summary, the available evidence is currently insufficient to determine the role of this variant in disease. Therefore, it has been classified as a Variant of Uncertain Significance.

NM_015141.4(GPD1L):c.376G>A (p.Glu126Lys)

Gene: GPD1L (glycerol-3-phosphate dehydrogenase 1 like; plus strand). Cytogenetic location: 3p22.3.
Variant type: single nucleotide variant.
Coding change: c.376G>A on transcript NM_015141.4 (MANE Select); coding-DNA position 376, G replaced by A.
Protein change: p.Glu126Lys; replaces glutamic acid 126 with lysine.
Molecular consequence: missense variant.
Genome position (GRCh38, 1-based): chr3:32,140,237, G>A. VCF-style: chr3-32140237-G-A. GRCh37 (hg19) VCF-style: chr3-32181729-G-A.
Other names: c.376G>A (NM_015141.3); short protein forms E126K.
Identifiers: ClinVar variation 1393206 (VCV001393206.7), dbSNP rs1700722155, ClinGen allele CA351974535.